The following is an entry in ClinVar:

NM_020166.5(MCCC1):c.881_891del (p.Ile294fs)

Gene: MCCC1 (methylcrotonyl-CoA carboxylase subunit 1; minus strand). Cytogenetic location: 3q27.1.
Variant type: Deletion.
Coding change: c.881_891del on transcript NM_020166.5 (MANE Select); coding-DNA positions 881 to 891, 11 bases deleted (TTAAATCTGAA).
Protein change: p.Ile294fs; shifts the reading frame from isoleucine 294.
Molecular consequence: frameshift variant. On other transcripts: non-coding transcript variant (2).
Genome position (GRCh38, 1-based): chr3:183,052,223-183,052,233, TTCAGATTTAA deleted on the plus strand (TTAAATCTGAA on the coding strand, the reverse complement: MCCC1 is on the minus strand); deleting any 11 consecutive bases within chr3:183,052,223-183,052,234 gives the same sequence; the c. name uses the placement nearest the transcript's 3' end. VCF-style (leftmost placement, unchanged base first): chr3-183052222-CTTCAGATTTAA-C. GRCh37 (hg19) VCF-style: chr3-182770010-CTTCAGATTTAA-C.
Other names: c.530_540del, p.Ile177fs (NM_001293273.2); c.554_564del, p.Ile185fs (NM_001363880.1); short protein forms I294fs, I185fs, I177fs.
Identifiers: ClinVar variation 3656979 (VCV003656979.2).

ClinVar aggregate classification (germline): Pathogenic (1 of 4 stars; one submission).

Conditions:
3-methylcrotonyl-CoA carboxylase 1 deficiency (MCC1D). Also called: METHYLCROTONYLGLYCINURIA TYPE I; MCCD TYPE 1; MCC 1 deficiency; 3 Alpha methylcrotonylglycinuria 1. Identifiers: Orphanet 6, MedGen CN028786, MONDO:0008861, OMIM 210200.

Submission:

Labcorp Genetics (formerly Invitae), Labcorp
Classification: Pathogenic for 3-methylcrotonyl-CoA carboxylase 1 deficiency. Last evaluated: 2024-06-19. Review status: criteria provided, single submitter. Criteria: Invitae Variant Classification Sherloc (09022015). Collection method: clinical testing. Allele origin: germline.
Comment: This sequence change creates a premature translational stop signal (p.Ile294Serfs*14) in the MCCC1 gene. It is expected to result in an absent or disrupted protein product. Loss-of-function variants in MCCC1 are known to be pathogenic (PMID: 11181649, 15359379, 22642865). This variant is not present in population databases (gnomAD no frequency). This variant has not been reported in the literature in individuals affected with MCCC1-related conditions. For these reasons, this variant has been classified as Pathogenic.

Literature cited by the submitters: PubMed 11181649; PubMed 15359379; PubMed 22642865.